The following is an entry in ClinVar:

NM_001085411.3(NADK2):c.619C>A (p.Gln207Lys)

Gene: NADK2 (NAD kinase 2, mitochondrial; minus strand). Cytogenetic location: 5p13.2.
Variant type: single nucleotide variant.
Coding change: c.619C>A on transcript NM_001085411.3 (MANE Select); coding-DNA position 619, C replaced by A.
Protein change: p.Gln207Lys; replaces glutamine 207 with lysine.
Molecular consequence: missense variant.
Genome position (GRCh38, 1-based): chr5:36,219,621, G>T on the plus strand (C>A on the coding strand, the complement: NADK2 is on the minus strand). VCF-style: chr5-36219621-G-T. GRCh37 (hg19) VCF-style: chr5-36219723-G-T.
Other names: c.130C>A, p.Gln44Lys (NM_001287340.2, NM_001287341.2, NM_153013.5); c.619C>A (NM_001085411.1); short protein forms Q44K, Q207K.
Identifiers: ClinVar variation 972007 (VCV000972007.10), dbSNP rs748574609, ClinGen allele CA3234672.

ClinVar aggregate classification (germline): Uncertain significance. Review status: criteria provided, multiple submitters, no conflicts (2 of 4 stars). 2 submissions from 2 submitters: Uncertain significance (2). Last evaluated 2025-12-17.

Conditions:
Inborn genetic diseases. Identifiers: MedGen C0950123, MeSH D030342.
Progressive encephalopathy with leukodystrophy due to DECR deficiency. Identifiers: Orphanet 431361, MedGen C1857252, MONDO:0014464, OMIM 616034.

Allele frequency attached by ClinVar (database versions not stated): gnomAD exomes 0.00005 and 0.00011; ExAC 0.00012; TOPMed 0.00016.

Submissions (2):

Labcorp Genetics (formerly Invitae), Labcorp
Classification: Uncertain significance for Progressive encephalopathy with leukodystrophy due to DECR deficiency. Last evaluated: 2025-12-17. Review status: criteria provided, single submitter. Criteria: Invitae Variant Classification Sherloc (09022015). Collection method: clinical testing. Allele origin: germline.
Comment: This sequence change replaces glutamine, which is neutral and polar, with lysine, which is basic and polar, at codon 207 of the NADK2 protein (p.Gln207Lys). This variant is present in population databases (rs748574609, gnomAD 0.07%), and has an allele count higher than expected for a pathogenic variant. This variant has not been reported in the literature in individuals affected with NADK2-related conditions. ClinVar contains an entry for this variant (Variation ID: 972007). Invitae Evidence Modeling of protein sequence and biophysical properties (such as structural, functional, and spatial information, amino acid conservation, physicochemical variation, residue mobility, and thermodynamic stability) indicates that this missense variant is not expected to disrupt NADK2 protein function with a negative predictive value of 80%. In summary, the available evidence is currently insufficient to determine the role of this variant in disease. Therefore, it has been classified as a Variant of Uncertain Significance.

Ambry Genetics
Classification: Uncertain significance for Inborn genetic diseases. Last evaluated: 2025-03-11. Review status: criteria provided, single submitter. Criteria: Ambry Variant Classification Scheme 2023. Collection method: clinical testing. Allele origin: germline.